The following is an entry in ClinVar:

ClinVar aggregate classification (germline): Pathogenic (1 of 4 stars; one submission).

Conditions:
Primary ciliary dyskinesia. Also called: Ciliary dyskinesia. Identifiers: Orphanet 244, MedGen C0008780, MONDO:0016575, HP:0012265.

Submission:

Labcorp Genetics (formerly Invitae), Labcorp
Classification: Pathogenic for Primary ciliary dyskinesia. Last evaluated: 2017-05-14. Review status: criteria provided, single submitter. Criteria: Invitae Variant Classification Sherloc (09022015). Collection method: clinical testing. Allele origin: germline.
Comment: This sequence change creates a premature translational stop signal at codon 1315 (p.Glu1315*) of the DNAH5 gene. It is expected to result in an absent or disrupted protein product. While this particular variant has not been reported in the literature, loss-of-function variants in DNAH5 are known to be pathogenic (PMID: 16627867, 11788826). For these reasons, this variant has been classified as Pathogenic.

Literature cited by the submitters: PubMed 16627867; PubMed 11788826.

NM_001369.3(DNAH5):c.3943G>T (p.Glu1315Ter)

Genes: DNAH5 (dynein axonemal heavy chain 5; minus strand), DNAH5-AS1 (DNAH5 antisense RNA 1; plus strand). Cytogenetic location: 5p15.2.
Variant type: single nucleotide variant.
Coding change: c.3943G>T on transcript NM_001369.3 (MANE Select); coding-DNA position 3943, G replaced by T.
Protein change: p.Glu1315Ter; replaces glutamic acid 1315 with a stop codon.
Molecular consequence: nonsense.
Genome position (GRCh38, 1-based): chr5:13,867,884, C>A on the plus strand (G>T on the coding strand, the complement: DNAH5 is on the minus strand). VCF-style: chr5-13867884-C-A. GRCh37 (hg19) VCF-style: chr5-13867993-C-A.
Other names: short protein forms E1315*.
Identifiers: ClinVar variation 454773 (VCV000454773.9), dbSNP rs753397685, ClinGen allele CA359229120.
Genomic context (GRCh38, chr5:13,867,884, plus strand): 5'-CAGCACTAATAAGCTCTTTCTTGAAACTGGGCTGCAGTGAGACTAATTTATTCTGGACTT[C>A]GCCAGCACGTGCCAGCAGCTTCTCCCAAGCATAGTGCAGTGTATCAACTTTGTCTATCTC-3'